The following is an entry in ClinVar:

ClinVar aggregate classification (germline): Benign. Review status: criteria provided, multiple submitters, no conflicts (2 of 4 stars). 4 submissions from 4 submitters: Benign (3). 1 of the submissions does not count toward it. Last evaluated 2024-01-01.

Conditions:
XIRP1-related disorder. Also called: XIRP1-related condition.

Allele frequency attached by ClinVar (database versions not stated): 1000 Genomes Project 30x 0.00344; 1000 Genomes Project 0.00399; TOPMed 0.00609; gnomAD 0.00664 and 0.00671; gnomAD exomes 0.00705; ExAC 0.00749; ESP Exome Variant Server 0.00884.
gnomAD v4.1: 16,152 of 1,614,008 alleles (1%); highest among the groups gnomAD compares: Non-Finnish European, 1.2%; 98 homozygotes.

Submissions (4):

CeGaT Center for Human Genetics Tuebingen
Classification: Benign. Last evaluated: 2024-01-01. Review status: criteria provided, single submitter. Criteria: CeGaT Center For Human Genetics Tuebingen Variant Classification Criteria Version 2. Collection method: clinical testing. Allele origin: germline. Affected: yes. Observed: 2 variant alleles.
Comment: XIRP1: BP4, BS1, BS2

Labcorp Genetics (formerly Invitae), Labcorp
Classification: Benign. Last evaluated: 2018-11-03. Review status: criteria provided, single submitter. Criteria: Invitae Variant Classification Sherloc (09022015). Collection method: clinical testing. Allele origin: germline.

Breakthrough Genomics
Classification: Benign. Review status: criteria provided, single submitter. Criteria: ACMG Guidelines, 2015. Collection method: not provided. Allele origin: germline. Inheritance: Unknown mechanism. Affected: yes.

PreventionGenetics, part of Exact Sciences
Classification: Benign for XIRP1-related condition. Last evaluated: 2019-04-01. Review status: no assertion criteria provided. Collection method: clinical testing. Allele origin: germline. Not counted in ClinVar's aggregate classification.
Comment: This variant is classified as benign based on ACMG/AMP sequence variant interpretation guidelines (Richards et al. 2015 PMID: 25741868, with internal and published modifications).

NM_194293.4(XIRP1):c.1741C>A (p.Pro581Thr)

Gene: XIRP1 (xin actin binding repeat containing 1; minus strand). Cytogenetic location: 3p22.2.
Variant type: single nucleotide variant.
Coding change: c.1741C>A on transcript NM_194293.4 (MANE Select); coding-DNA position 1741, C replaced by A.
Protein change: p.Pro581Thr; replaces proline 581 with threonine.
Molecular consequence: missense variant. On other transcripts: intron variant (1).
Genome position (GRCh38, 1-based): chr3:39,187,705, G>T on the plus strand (C>A on the coding strand, the complement: XIRP1 is on the minus strand). VCF-style: chr3-39187705-G-T. GRCh37 (hg19) VCF-style: chr3-39229196-G-T.
Other names: c.1741C>A, p.Pro581Thr (NM_001198621.4); c.-167-2044C>A (NM_001351377.2); short protein forms P581T.
Identifiers: ClinVar variation 772860 (VCV000772860.28), dbSNP rs61736135, ClinGen allele CA2326442.